The following is an entry in ClinVar:

NM_000360.4(TH):c.434T>A (p.Leu145His)

Gene: TH (tyrosine hydroxylase; minus strand). Cytogenetic location: 11p15.5.
Variant type: single nucleotide variant.
Coding change: c.434T>A on transcript NM_000360.4 (MANE Select); coding-DNA position 434, T replaced by A.
Protein change: p.Leu145His; replaces leucine 145 with histidine.
Molecular consequence: missense variant.
Genome position (GRCh38, 1-based): chr11:2,168,544, A>T on the plus strand (T>A on the coding strand, the complement: TH is on the minus strand). VCF-style: chr11-2168544-A-T. GRCh37 (hg19) VCF-style: chr11-2189774-A-T.
Other names: c.527T>A, p.Leu176His (NM_199292.3); c.515T>A, p.Leu172His (NM_199293.3); short protein forms L172H, L145H, L176H.
Identifiers: ClinVar variation 1519349 (VCV001519349.5), dbSNP rs758527628, ClinGen allele CA5818664.

ClinVar aggregate classification (germline): Uncertain significance (1 of 4 stars; one submission).

Conditions:
TH-deficient dopa-responsive dystonia. Also called: Tyrosine Hydroxylase-Deficient Dopa-Responsive Dystonia; Segawa syndrome, autosomal recessive; DYT-TH. Identifiers: Orphanet 101150, MedGen C2673535, MONDO:0011551, OMIM 605407.

Allele frequency attached by ClinVar (database versions not stated): gnomAD 0.00001; gnomAD exomes 0.00001; ExAC 0.00002; TOPMed 0.00003.

Submission:

Labcorp Genetics (formerly Invitae), Labcorp
Classification: Uncertain significance for TH-deficient dopa-responsive dystonia. Last evaluated: 2022-04-07. Review status: criteria provided, single submitter. Criteria: Invitae Variant Classification Sherloc (09022015). Collection method: clinical testing. Allele origin: germline.
Comment: This sequence change replaces leucine, which is neutral and non-polar, with histidine, which is basic and polar, at codon 176 of the TH protein (p.Leu176His). This variant is present in population databases (rs758527628, gnomAD 0.002%). This variant has not been reported in the literature in individuals affected with TH-related conditions. Algorithms developed to predict the effect of missense changes on protein structure and function (SIFT, PolyPhen-2, Align-GVGD) all suggest that this variant is likely to be disruptive. In summary, the available evidence is currently insufficient to determine the role of this variant in disease. Therefore, it has been classified as a Variant of Uncertain Significance.